The following is an entry in ClinVar:

ClinVar aggregate classification (germline): Conflicting classifications of pathogenicity. Review status: criteria provided, conflicting classifications (1 of 4 stars). 4 submissions from 4 submitters: Uncertain significance (1); Benign (1); Likely benign (2). Last evaluated 2025-12-10.

Conditions:
Cone-rod dystrophy 15 (CORD15). Identifiers: MedGen C3150912, MONDO:0013348, OMIM 613660.
CDHR1-related disorder. Also called: CDHR1-related condition.

Allele frequency attached by ClinVar (database versions not stated): ESP Exome Variant Server 0.00015; ExAC 0.00021; gnomAD exomes 0.00029; gnomAD 0.00033 and 0.00038; TOPMed 0.00035.
gnomAD v4.1: 921 of 1,614,100 alleles (0.057%); highest among the groups gnomAD compares: Non-Finnish European, 0.07%; 1 homozygote.

Submissions (4):

Labcorp Genetics (formerly Invitae), Labcorp
Classification: Benign. Last evaluated: 2025-12-10. Review status: criteria provided, single submitter. Criteria: Invitae Variant Classification Sherloc (09022015). Collection method: clinical testing. Allele origin: germline.

PreventionGenetics, part of Exact Sciences
Classification: Likely benign for CDHR1-related condition. Last evaluated: 2024-11-14. Review status: criteria provided, single submitter. Criteria: ACMG Guidelines, 2015. Collection method: clinical testing. Allele origin: germline.
Comment: This variant is classified as likely benign based on ACMG/AMP sequence variant interpretation guidelines (Richards et al. 2015 PMID: 25741868, with internal and published modifications).

Blueprint Genetics
Classification: Likely benign. Last evaluated: 2024-04-03. Review status: criteria provided, single submitter. Criteria: ACMG Guidelines, 2015. Collection method: clinical testing. Allele origin: germline.

Illumina Laboratory Services, Illumina
Classification: Uncertain significance for Cone-rod dystrophy 15. Last evaluated: 2018-01-13. Review status: criteria provided, single submitter. Criteria: ICSL Variant Classification Criteria 13 December 2019. Collection method: clinical testing. Allele origin: germline.

NM_033100.4(CDHR1):c.1470C>T (p.Ser490=)

Gene: CDHR1 (cadherin related family member 1; plus strand). Cytogenetic location: 10q23.1.
Variant type: single nucleotide variant.
Coding change: c.1470C>T on transcript NM_033100.4 (MANE Select); coding-DNA position 1470, C replaced by T.
Protein change: p.Ser490=; no amino-acid change (serine 490 retained).
Molecular consequence: synonymous variant.
Genome position (GRCh38, 1-based): chr10:84,211,150, C>T. VCF-style: chr10-84211150-C-T. GRCh37 (hg19) VCF-style: chr10-85970906-C-T.
Other names: c.1470C>T, p.Ser490= (NM_001171971.3).
Identifiers: ClinVar variation 301242 (VCV000301242.15), dbSNP rs150577739, ClinGen allele CA5579945.